The following is an entry in ClinVar:

ClinVar aggregate classification (germline): Likely benign. Review status: criteria provided, multiple submitters, no conflicts (2 of 4 stars). 7 submissions from 7 submitters: Likely benign (7). Last evaluated 2025-11-18.

Conditions:
Aortic aneurysm, familial thoracic 7 (AAT7). Also called: AORTIC DISSECTION, FAMILIAL, WITH OR WITHOUT AORTIC ANEURYSM. Identifiers: MedGen C3151077, MONDO:0013418, OMIM 613780.
Megacystis-microcolon-intestinal hypoperistalsis syndrome 1. Identifiers: MedGen C5542316, MONDO:0100354, OMIM 249210.
Familial thoracic aortic aneurysm and aortic dissection (TAAD). Also called: Thoracic aortic aneurysms and dissections. Identifiers: Orphanet 91387, MedGen C4707243, MONDO:0019625.

Allele frequency attached by ClinVar (database versions not stated): gnomAD exomes 0.00001; ExAC 0.00001; gnomAD 0.00001; TOPMed 0.00002.
gnomAD v4.1: 15 of 1,613,940 alleles (0.00093%); highest among the groups gnomAD compares: Middle Eastern, 0.016%; no homozygotes.

Submissions (7):

Labcorp Genetics (formerly Invitae), Labcorp
Classification: Likely benign for Aortic aneurysm, familial thoracic 7. Last evaluated: 2025-11-18. Review status: criteria provided, single submitter. Criteria: Invitae Variant Classification Sherloc (09022015). Collection method: clinical testing. Allele origin: germline.

Women's Health and Genetics/Laboratory Corporation of America, LabCorp
Classification: Likely benign. Last evaluated: 2024-11-19. Review status: criteria provided, single submitter. Criteria: LabCorp Variant Classification Summary - May 2015. Collection method: clinical testing. Allele origin: germline.

Ambry Genetics
Classification: Likely benign for Familial thoracic aortic aneurysm and aortic dissection. Last evaluated: 2022-12-23. Review status: criteria provided, single submitter. Criteria: Ambry Variant Classification Scheme 2023. Collection method: clinical testing. Allele origin: germline.

Phosphorus, Inc.
Classification: Likely benign. Last evaluated: 2022-01-18. Review status: criteria provided, single submitter. Criteria: ACMG Guidelines, 2015. Collection method: clinical testing. Allele origin: germline. Inheritance: Autosomal dominant inheritance.
Comment: This synonymous variant is a silent variation that is not predicted to change the amino acid sequence of the protein and has occurred in gnomAD with a total MAF of 0.0008% and once with the highest MAF of 0.0032% in the South Asian population. This variant has been reported in ClinVar (262286) NM_053025.4(MYLK):c.4710G>A (p.Ser1570=). This position is not conserved. In silico splicing algorithms predicted no impact on splicing (not found in scSNV). The variant has not occurred in the literature in the association with the disease. Considering the splice distance and that it is a silent change that does not have an apparent effect on RNA splicing machinery, the variant has been classified as Likely Benign.

Fulgent Genetics
Classification: Likely benign for Megacystis-microcolon-intestinal hypoperistalsis syndrome 1; Aortic aneurysm, familial thoracic 7. Last evaluated: 2021-09-15. Review status: criteria provided, single submitter. Criteria: ACMG Guidelines, 2015. Collection method: clinical testing. Allele origin: unknown.

GeneDx
Classification: Likely benign. Last evaluated: 2020-01-07. Review status: criteria provided, single submitter. Criteria: GeneDx Variant Classification Process June 2021. Collection method: clinical testing. Allele origin: germline. Affected: yes.

PreventionGenetics, part of Exact Sciences
Classification: Likely benign. Review status: criteria provided, single submitter. Criteria: ACMG Guidelines, 2015. Collection method: clinical testing. Allele origin: germline.

NM_053025.4(MYLK):c.4710G>A (p.Ser1570=)

Gene: MYLK (myosin light chain kinase; minus strand). Cytogenetic location: 3q21.1.
Variant type: single nucleotide variant.
Coding change: c.4710G>A on transcript NM_053025.4 (MANE Select); coding-DNA position 4710, G replaced by A.
Protein change: p.Ser1570=; no amino-acid change (serine 1570 retained).
Molecular consequence: synonymous variant.
Genome position (GRCh38, 1-based): chr3:123,640,414, C>T on the plus strand (G>A on the coding strand, the complement: MYLK is on the minus strand). VCF-style: chr3-123640414-C-T. GRCh37 (hg19) VCF-style: chr3-123359261-C-T.
Other names: c.4182G>A, p.Ser1394= (NM_001321309.2); c.4503G>A, p.Ser1501= (NM_053026.4, NM_053028.4); c.4710G>A, p.Ser1570= (NM_053027.4).
Identifiers: ClinVar variation 262286 (VCV000262286.17), dbSNP rs778762375, ClinGen allele CA072004.
Genomic context (GRCh38, chr3:123,640,414, plus strand): 5'-GTTCTCCGGCTTGAGGTCCAGGTGCACGATGCCCTGCTTGTGGATGTACTCCACTCCCTC[C>T]GAGATCTGCCGCATGTACTTGATGCACTCACGCTCCGTCAGCTCAAAGTCCTCGTCAATG-3'
Protein context (NP_444253.3, residues 1560-1580): RECIKYMRQI[Ser1570=]EGVEYIHKQG